The following is an entry in ClinVar:

NM_000051.4(ATM):c.5491T>C (p.Cys1831Arg)

Gene: ATM (ATM serine/threonine kinase; plus strand). Cytogenetic location: 11q22.3.
Variant type: single nucleotide variant.
Coding change: c.5491T>C on transcript NM_000051.4 (MANE Select); coding-DNA position 5491, T replaced by C.
Protein change: p.Cys1831Arg; replaces cysteine 1831 with arginine.
Molecular consequence: missense variant.
Genome position (GRCh38, 1-based): chr11:108,303,024, T>C. VCF-style: chr11-108303024-T-C. GRCh37 (hg19) VCF-style: chr11-108173751-T-C.
Other names: c.5491T>C, p.Cys1831Arg (NM_001351834.2); short protein forms C1831R.
Identifiers: ClinVar variation 3653745 (VCV003653745.2).

ClinVar aggregate classification (germline): Uncertain significance (1 of 4 stars; one submission).

Conditions:
Ataxia-telangiectasia syndrome (AT). Also called: LOUIS-BAR SYNDROME; Cerebello-oculocutaneous telangiectasia; Immunodeficiency with ataxia telangiectasia; ATAXIA-TELANGIECTASIA, COMPLEMENTATION GROUP A; ATAXIA-TELANGIECTASIA, FRESNO VARIANT; Ataxia-telangiectasia, complementation group D. Identifiers: Orphanet 100, MedGen C0004135, MONDO:0008840, OMIM 208900.

Submission:

Labcorp Genetics (formerly Invitae), Labcorp
Classification: Uncertain significance for Ataxia-telangiectasia syndrome. Last evaluated: 2024-05-18. Review status: criteria provided, single submitter. Criteria: Invitae Variant Classification Sherloc (09022015). Collection method: clinical testing. Allele origin: germline.
Comment: This sequence change replaces cysteine, which is neutral and slightly polar, with arginine, which is basic and polar, at codon 1831 of the ATM protein (p.Cys1831Arg). This variant is not present in population databases (gnomAD no frequency). This variant has not been reported in the literature in individuals affected with ATM-related conditions. An algorithm developed to predict the effect of missense changes on protein structure and function (PolyPhen-2) suggests that this variant is likely to be disruptive. In summary, the available evidence is currently insufficient to determine the role of this variant in disease. Therefore, it has been classified as a Variant of Uncertain Significance.